The following is an entry in ClinVar:

NM_015662.3(IFT172):c.4733A>G (p.Tyr1578Cys)

Genes: IFT172 (intraflagellar transport 172; minus strand), KRTCAP3 (keratinocyte associated protein 3; plus strand). Cytogenetic location: 2p23.3.
Variant type: single nucleotide variant.
Coding change: c.4733A>G on transcript NM_015662.3 (MANE Select); coding-DNA position 4733, A replaced by G.
Protein change: p.Tyr1578Cys; replaces tyrosine 1578 with cysteine.
Molecular consequence: missense variant. On other transcripts: intron variant (1).
Genome position (GRCh38, 1-based): chr2:27,446,282, T>C on the plus strand (A>G on the coding strand, the complement: IFT172 is on the minus strand). VCF-style: chr2-27446282-T-C. GRCh37 (hg19) VCF-style: chr2-27669149-T-C.
Other names: c.4667A>G, p.Tyr1556Cys (NM_001410739.1); c.*6-19T>C (NM_001168364.2); short protein forms Y1578C, Y1556C.
Identifiers: ClinVar variation 1949164 (VCV001949164.6), dbSNP rs761504464, ClinGen allele CA1579509.
Genomic context (GRCh38, chr2:27,446,282, plus strand): 5'-TCCTCCTATCTGCCCCACCCTTCCTTGTCCCAGCTCACCTTGGCAGCAATGCCTGCTTCA[T>C]AGAAGGCTTTGTCTACAGGTAGTAGCTGGGTGTGACGCAAGAGTGAAACAGAAAGCCTGG-3'
Protein context (NP_056477.1, residues 1568-1588): TQLLPVDKAF[Tyr1578Cys]EAGIAAKAVG

ClinVar aggregate classification (germline): Conflicting classifications of pathogenicity. Review status: criteria provided, conflicting classifications (1 of 4 stars). 2 submissions from 2 submitters: Likely pathogenic (1); Uncertain significance (1). Last evaluated 2026-06-08.

Conditions:
IFT172-related disorder. Also called: IFT172-related condition; IFT172-related disorders.
Short-rib thoracic dysplasia 10 with or without polydactyly (SRTD10). Identifiers: Orphanet 474, MedGen C3810175, MONDO:0014284, OMIM 615630.
Retinitis pigmentosa 71 (RP71). Identifiers: Orphanet 791, MedGen C4225342, MONDO:0014618, OMIM 616394.

Allele frequency attached by ClinVar (database versions not stated): TOPMed 0.00003; gnomAD 0.00005; ExAC 0.00001.
gnomAD v4.1: 17 of 1,614,126 alleles (0.0011%); highest among the groups gnomAD compares: Admixed American, 0.027%; no homozygotes.

Submissions (2):

PreventionGenetics, part of Exact Sciences
Classification: Uncertain significance for IFT172-related condition. Last evaluated: 2026-06-08. Review status: criteria provided, single submitter. Criteria: ACMG Guidelines, 2015. Collection method: clinical testing. Allele origin: germline.
Comment: The IFT172 c.4733A>G variant is predicted to result in the amino acid substitution p.Tyr1578Cys. This variant was reported in the compound heterozygous state in two siblings with Mainzer-Saldino syndrome (Romano et al. 2021. PubMed ID: 33393400) and in the homozygous state in an individual from a nephronophthisis and related ciliopathies cohort (Table S1 in Petzold et al. 2023. PubMed ID: 37230223). This variant is reported in 0.017% of alleles in individuals of Latino descent in gnomAD. Although we suspect that this variant may be pathogenic, at this time, the clinical significance of this variant is uncertain due to the absence of conclusive functional and genetic evidence.

Labcorp Genetics (formerly Invitae), Labcorp
Classification: Likely pathogenic for Retinitis pigmentosa 71; Short-rib thoracic dysplasia 10 with or without polydactyly. Last evaluated: 2022-10-17. Review status: criteria provided, single submitter. Criteria: Invitae Variant Classification Sherloc (09022015). Collection method: clinical testing. Allele origin: germline.
Comment: In summary, the currently available evidence indicates that the variant is pathogenic, but additional data are needed to prove that conclusively. Therefore, this variant has been classified as Likely Pathogenic. Advanced modeling of protein sequence and biophysical properties (such as structural, functional, and spatial information, amino acid conservation, physicochemical variation, residue mobility, and thermodynamic stability) performed at Invitae indicates that this missense variant is not expected to disrupt IFT172 protein function. This missense change has been observed in individual(s) with clinical features of IFT172-related conditions (PMID: 33393400; Invitae). In at least one individual the data is consistent with being in trans (on the opposite chromosome) from a pathogenic variant. It has also been observed to segregate with disease in related individuals. This variant is present in population databases (rs761504464, gnomAD 0.02%). This sequence change replaces tyrosine, which is neutral and polar, with cysteine, which is neutral and slightly polar, at codon 1578 of the IFT172 protein (p.Tyr1578Cys).

Literature cited by the submitters: PubMed 33393400 (cited by Labcorp Genetics (formerly Invitae), Labcorp).